The following is an entry in ClinVar:

NM_201384.3(PLEC):c.5373C>T (p.Ala1791=)

Gene: PLEC (plectin; minus strand). Cytogenetic location: 8q24.3.
Variant type: single nucleotide variant.
Coding change: c.5373C>T on transcript NM_201384.3 (MANE Select); coding-DNA position 5373, C replaced by T.
Protein change: p.Ala1791=; no amino-acid change (alanine 1791 retained).
Molecular consequence: synonymous variant.
Genome position (GRCh38, 1-based): chr8:143,924,556, G>A on the plus strand (C>T on the coding strand, the complement: PLEC is on the minus strand). VCF-style: chr8-143924556-G-A. GRCh37 (hg19) VCF-style: chr8-144998724-G-A.
Other names: c.5454C>T, p.Ala1818= (NM_000445.5); c.5331C>T, p.Ala1777= (NM_201378.4); c.5307C>T, p.Ala1769= (NM_201379.3); c.5784C>T, p.Ala1928= (NM_201380.4); c.5277C>T, p.Ala1759= (NM_201381.3); c.5373C>T, p.Ala1791= (NM_201382.4); c.5385C>T, p.Ala1795= (NM_201383.3).
Identifiers: ClinVar variation 706968 (VCV000706968.12), dbSNP rs781951805, ClinGen allele CA4926381.

ClinVar aggregate classification (germline): Likely benign. Review status: criteria provided, multiple submitters, no conflicts (2 of 4 stars). 3 submissions from 3 submitters: Likely benign (3). Last evaluated 2026-06-16.

Conditions:
PLEC-related disorder. Also called: PLEC-related disorders; PLEC-related condition.
Epidermolysis bullosa simplex with nail dystrophy (EBS5D). Identifiers: MedGen C4225309, MONDO:0014661, OMIM 616487.
Epidermolysis bullosa simplex 5B, with muscular dystrophy (EBS5B). Also called: Epidermolysis bullosa simplex with muscular dystrophy; EPIDERMOLYSIS BULLOSA SIMPLEX AND LIMB-GIRDLE MUSCULAR DYSTROPHY. Identifiers: Orphanet 257, MedGen C2931072, MONDO:0009181, OMIM 226670.
Autosomal recessive limb-girdle muscular dystrophy type 2Q (LGMDR17). Also called: MUSCULAR DYSTROPHY, LIMB-GIRDLE, AUTOSOMAL RECESSIVE 17. Identifiers: Orphanet 254361, MedGen C3150989, MONDO:0013390, OMIM 613723.
Epidermolysis bullosa simplex 5C, with pyloric atresia (EBS5C). Also called: PLEC-Related Epidermolysis Bullosa with Pyloric Atresia; Epidermolysis bullosa simplex with pyloric atresia; PLEC1-Related Epidermolysis Bullosa with Pyloric Atresia. Identifiers: Orphanet 158684, MedGen C2677349, MONDO:0012807, OMIM 612138.
Epidermolysis bullosa simplex, Ogna type (EBS5A). Also called: Pidermolysis bullosa simplex 5A, Ogna type; EPIDERMOLYSIS BULLOSA SIMPLEX 5A, OGNA TYPE. Identifiers: Orphanet 79401, MedGen C0432317, MONDO:0007555, OMIM 131950.

Allele frequency attached by ClinVar (database versions not stated): ExAC below 0.00001; gnomAD exomes 0.00003; gnomAD 0.00015; TOPMed 0.00021.
gnomAD v4.1: 71 of 1,544,428 alleles (0.0046%); highest among the groups gnomAD compares: African/African-American, 0.041%; no homozygotes.

Submissions (3):

PreventionGenetics, part of Exact Sciences
Classification: Likely benign for PLEC-related condition. Last evaluated: 2026-06-16. Review status: criteria provided, single submitter. Criteria: ACMG Guidelines, 2015. Collection method: clinical testing. Allele origin: germline.
Comment: This variant is classified as likely benign based on ACMG/AMP sequence variant interpretation guidelines (Richards et al. 2015 PMID: 25741868, with internal and published modifications).

Labcorp Genetics (formerly Invitae), Labcorp
Classification: Likely benign for Autosomal recessive limb-girdle muscular dystrophy type 2Q; Epidermolysis bullosa simplex, Ogna type; Epidermolysis bullosa simplex with nail dystrophy; Epidermolysis bullosa simplex 5C, with pyloric atresia; Epidermolysis bullosa simplex 5B, with muscular dystrophy. Last evaluated: 2025-09-23. Review status: criteria provided, single submitter. Criteria: Invitae Variant Classification Sherloc (09022015). Collection method: clinical testing. Allele origin: germline.

Blueprint Genetics
Classification: Likely benign. Last evaluated: 2023-02-28. Review status: criteria provided, single submitter. Criteria: ACMG Guidelines, 2015. Collection method: clinical testing. Allele origin: germline.